The following is an entry in ClinVar:

NM_001368882.1(COL13A1):c.798C>G (p.Gly266=)

Gene: COL13A1 (collagen type XIII alpha 1 chain; plus strand). Cytogenetic location: 10q22.1.
Variant type: single nucleotide variant.
Coding change: c.798C>G on transcript NM_001368882.1 (MANE Select); coding-DNA position 798, C replaced by G.
Protein change: p.Gly266=; no amino-acid change (glycine 266 retained).
Molecular consequence: synonymous variant.
Genome position (GRCh38, 1-based): chr10:69,902,795, C>G. VCF-style: chr10-69902795-C-G. GRCh37 (hg19) VCF-style: chr10-71662551-C-G.
Other names: c.828C>G (NM_001130103.1); c.828C>G, p.Gly276= (NM_001130103.2); c.798C>G, p.Gly266= (NM_001320951.2, NM_001368884.1); c.762C>G, p.Gly254= (NM_001368883.1, NM_001368885.1, NM_080801.4 and 1 more transcripts); c.198C>G, p.Gly66= (NM_001368886.1); c.708C>G, p.Gly236= (NM_001368895.1); c.657C>G, p.Gly219= (NM_001368896.1, NM_001368898.1, NM_080798.4); c.684C>G, p.Gly228= (NM_001368897.1); and 2 more.
Identifiers: ClinVar variation 2900729 (VCV002900729.5), dbSNP rs777001080, ClinGen allele CA470029710.

ClinVar aggregate classification (germline): Likely benign. Review status: criteria provided, single submitter (1 of 4 stars). 2 submissions from 2 submitters: Likely benign (1). 1 of the submissions does not count toward it. Last evaluated 2024-03-05.

Conditions:
COL13A1-related disorder. Also called: COL13A1-related condition.

Allele frequency attached by ClinVar (database versions not stated): gnomAD 0.00002; TOPMed 0.00002.
gnomAD v4.1: 24 of 1,551,346 alleles (0.0015%); highest among the groups gnomAD compares: African/African-American, 0.0055%; no homozygotes.

Submissions (2):

Labcorp Genetics (formerly Invitae), Labcorp
Classification: Likely benign. Last evaluated: 2024-03-05. Review status: criteria provided, single submitter. Criteria: Invitae Variant Classification Sherloc (09022015). Collection method: clinical testing. Allele origin: germline.

PreventionGenetics, part of Exact Sciences
Classification: Likely benign for COL13A1-related condition. Last evaluated: 2023-06-09. Review status: no assertion criteria provided. Collection method: clinical testing. Allele origin: germline. Not counted in ClinVar's aggregate classification.
Comment: This variant is classified as likely benign based on ACMG/AMP sequence variant interpretation guidelines (Richards et al. 2015 PMID: 25741868, with internal and published modifications).